The following is an entry in ClinVar:

NM_003737.4(DCHS1):c.5212C>T (p.Arg1738Ter)

Gene: DCHS1 (dachsous cadherin-related 1; minus strand). Cytogenetic location: 11p15.4.
Variant type: single nucleotide variant.
Coding change: c.5212C>T on transcript NM_003737.4 (MANE Select); coding-DNA position 5212, C replaced by T.
Protein change: p.Arg1738Ter; replaces arginine 1738 with a stop codon.
Molecular consequence: nonsense.
Genome position (GRCh38, 1-based): chr11:6,628,780, G>A on the plus strand (C>T on the coding strand, the complement: DCHS1 is on the minus strand). VCF-style: chr11-6628780-G-A. GRCh37 (hg19) VCF-style: chr11-6650011-G-A.
Other names: short protein forms R1738*.
Identifiers: ClinVar variation 4726071 (VCV004726071.1).
Genomic context (GRCh38, chr11:6,628,780, plus strand): 5'-GAGAGAGATGGGCACTCCCAAAGGTTGGTGCATGGTCATTCTCATCCTCCACAGCCACTC[G>A]AACAGTGACATGCGTTAACTGAGGAGGTGAGCCCCTGTCCTGGGCATACACTGTGGGGAA-3'

ClinVar aggregate classification (germline): Pathogenic (1 of 4 stars; one submission).

gnomAD v4.1: 3 of 1,613,850 alleles (0.00019%); highest among the groups gnomAD compares: African/African-American, 0.0013%; no homozygotes.

Submission:

Labcorp Genetics (formerly Invitae), Labcorp
Classification: Pathogenic. Last evaluated: 2025-08-25. Review status: criteria provided, single submitter. Criteria: Invitae Variant Classification Sherloc (09022015). Collection method: clinical testing. Allele origin: germline.
Comment: This sequence change creates a premature translational stop signal (p.Arg1738*) in the DCHS1 gene. It is expected to result in an absent or disrupted protein product. Loss-of-function variants in DCHS1 are known to be pathogenic (PMID: 24056717, 26258302). This variant is present in population databases (rs759809675, gnomAD 0.007%). This variant has not been reported in the literature in individuals affected with DCHS1-related conditions. Algorithms developed to predict the effect of sequence changes on RNA splicing suggest that this variant may disrupt the consensus splice site. For these reasons, this variant has been classified as Pathogenic.

Literature cited by the submitters: PubMed 24056717; PubMed 26258302.